The following is an entry in ClinVar:

ClinVar aggregate classification (germline): Uncertain significance (1 of 4 stars; one submission).

Conditions:
Neurofibromatosis, type 1 (NF1). Also called: Peripheral type neurofibromatosis; Neurofibromatosis, type I; VON RECKLINGHAUSEN DISEASE; NEUROFIBROMATOSIS, TYPE I, SOMATIC. Identifiers: Orphanet 636, MedGen C0027831, MONDO:0018975, OMIM 162200. Disease mechanism: loss of function.

Allele frequency attached by ClinVar (database versions not stated): gnomAD exomes below 0.00001.
gnomAD v4.1: 1 of 1,613,918 alleles (0.000062%); highest among the groups gnomAD compares: Non-Finnish European, 0.000085%; no homozygotes.

Submission:

Labcorp Genetics (formerly Invitae), Labcorp
Classification: Uncertain significance for Neurofibromatosis, type 1. Last evaluated: 2025-10-02. Review status: criteria provided, single submitter. Criteria: Invitae Variant Classification Sherloc (09022015). Collection method: clinical testing. Allele origin: germline.
Comment: This sequence change replaces threonine, which is neutral and polar, with serine, which is neutral and polar, at codon 700 of the NF1 protein (p.Thr700Ser). This variant is present in population databases (no rsID available, gnomAD 0.0009%). This variant has not been reported in the literature in individuals affected with NF1-related conditions. ClinVar contains an entry for this variant (Variation ID: 946062). Invitae Evidence Modeling of protein sequence and biophysical properties (such as structural, functional, and spatial information, amino acid conservation, physicochemical variation, residue mobility, and thermodynamic stability) indicates that this missense variant is not expected to disrupt NF1 protein function with a negative predictive value of 95%. In summary, the available evidence is currently insufficient to determine the role of this variant in disease. Therefore, it has been classified as a Variant of Uncertain Significance.

NM_001042492.3(NF1):c.2099C>G (p.Thr700Ser)

Gene: NF1 (neurofibromin 1; plus strand). Cytogenetic location: 17q11.2.
Variant type: single nucleotide variant.
Coding change: c.2099C>G on transcript NM_001042492.3 (MANE Select); coding-DNA position 2099, C replaced by G.
Protein change: p.Thr700Ser; replaces threonine 700 with serine.
Molecular consequence: missense variant.
Genome position (GRCh38, 1-based): chr17:31,226,532, C>G. VCF-style: chr17-31226532-C-G. GRCh37 (hg19) VCF-style: chr17-29553550-C-G.
Other names: c.2099C>G, p.Thr700Ser (NM_000267.4); short protein forms T700S.
Identifiers: ClinVar variation 946062 (VCV000946062.6), dbSNP rs1446159048, ClinGen allele CA398982256.